The following is an entry in ClinVar:

NM_002226.5(JAG2):c.306C>T (p.Ser102=)

Gene: JAG2 (jagged canonical Notch ligand 2; minus strand). Cytogenetic location: 14q32.33.
Variant type: single nucleotide variant.
Coding change: c.306C>T on transcript NM_002226.5 (MANE Select); coding-DNA position 306, C replaced by T.
Protein change: p.Ser102=; no amino-acid change (serine 102 retained).
Molecular consequence: synonymous variant.
Genome position (GRCh38, 1-based): chr14:105,167,868, G>A on the plus strand (C>T on the coding strand, the complement: JAG2 is on the minus strand). VCF-style: chr14-105167868-G-A. GRCh37 (hg19) VCF-style: chr14-105634205-G-A.
Other names: c.306C>T, p.Ser102= (NM_145159.3).
Identifiers: ClinVar variation 714526 (VCV000714526.7), dbSNP rs78862296, ClinGen allele CA7386485.
Genomic context (GRCh38, chr14:105,167,868, plus strand): 5'-GCCGGCCCGGGCCCGCGCCCGCGCTCGGTCCCCCGCAGCGCCCGCCGGCGGCAGGTAGAA[G>A]GAGTTGCCGCCCAGCACGGGCGTGGCGCCGTGGCCGTAGCTGCAGGGCCCCGTGGGCGTC-3'
Protein context (NP_002217.3, residues 92-112): HGATPVLGGN[Ser102=]FYLPPAGAAG

ClinVar aggregate classification (germline): Benign/Likely benign. Review status: criteria provided, multiple submitters, no conflicts (2 of 4 stars). 4 submissions from 4 submitters: Benign (2); Likely benign (1). 1 of the submissions does not count toward it. Last evaluated 2024-11-06.

Conditions:
JAG2-related disorder. Also called: JAG2-related condition.

Allele frequency attached by ClinVar (database versions not stated): gnomAD exomes 0.00104; ExAC 0.00212; ESP Exome Variant Server 0.00428; gnomAD 0.00485 and 0.00522; 1000 Genomes Project 30x 0.00515; 1000 Genomes Project 0.00519; TOPMed 0.00570.
gnomAD v4.1: 1,447 of 1,562,172 alleles (0.093%); highest among the groups gnomAD compares: African/African-American, 1.7%; 7 homozygotes.

Submissions (4):

Blueprint Genetics
Classification: Likely benign. Last evaluated: 2024-11-06. Review status: criteria provided, single submitter. Criteria: ACMG Guidelines, 2015. Collection method: clinical testing. Allele origin: germline.

Labcorp Genetics (formerly Invitae), Labcorp
Classification: Benign. Last evaluated: 2018-07-19. Review status: criteria provided, single submitter. Criteria: Invitae Variant Classification Sherloc (09022015). Collection method: clinical testing. Allele origin: germline.

Breakthrough Genomics
Classification: Benign. Review status: criteria provided, single submitter. Criteria: ACMG Guidelines, 2015. Collection method: not provided. Allele origin: germline. Inheritance: Autosomal recessive inheritance. Affected: yes.

PreventionGenetics, part of Exact Sciences
Classification: Benign for JAG2-related condition. Last evaluated: 2019-03-20. Review status: no assertion criteria provided. Collection method: clinical testing. Allele origin: germline. Not counted in ClinVar's aggregate classification.
Comment: This variant is classified as benign based on ACMG/AMP sequence variant interpretation guidelines (Richards et al. 2015 PMID: 25741868, with internal and published modifications).